The following is an entry in ClinVar:

ClinVar aggregate classification (germline): Likely benign. Review status: criteria provided, single submitter (1 of 4 stars). 2 submissions from 2 submitters: Likely benign (1). 1 of the submissions does not count toward it. Last evaluated 2023-05-01.

Conditions:
IL11RA-related disorder. Also called: IL11RA-related condition.

Allele frequency attached by ClinVar (database versions not stated): TOPMed 0.00007; gnomAD 0.00008; gnomAD exomes 0.00009; ExAC 0.00012; ESP Exome Variant Server 0.00015.
gnomAD v4.1: 143 of 1,614,012 alleles (0.0089%); highest among the groups gnomAD compares: Non-Finnish European, 0.011%; no homozygotes.

Submissions (2):

CeGaT Center for Human Genetics Tuebingen
Classification: Likely benign. Last evaluated: 2023-05-01. Review status: criteria provided, single submitter. Criteria: CeGaT Center For Human Genetics Tuebingen Variant Classification Criteria Version 2. Collection method: clinical testing. Allele origin: germline. Affected: yes. Observed: 1 variant allele.
Comment: IL11RA: BP4, BP7

PreventionGenetics, part of Exact Sciences
Classification: Likely benign for IL11RA-related condition. Last evaluated: 2023-01-25. Review status: no assertion criteria provided. Collection method: clinical testing. Allele origin: germline. Not counted in ClinVar's aggregate classification.
Comment: This variant is classified as likely benign based on ACMG/AMP sequence variant interpretation guidelines (Richards et al. 2015 PMID: 25741868, with internal and published modifications).

NM_001142784.3(IL11RA):c.498G>C (p.Gly166=)

Gene: IL11RA (interleukin 11 receptor subunit alpha; plus strand). Cytogenetic location: 9p13.3.
Variant type: single nucleotide variant.
Coding change: c.498G>C on transcript NM_001142784.3 (MANE Select); coding-DNA position 498, G replaced by C.
Protein change: p.Gly166=; no amino-acid change (glycine 166 retained).
Molecular consequence: synonymous variant. On other transcripts: non-coding transcript variant (1).
Genome position (GRCh38, 1-based): chr9:34,657,439, G>C. VCF-style: chr9-34657439-G-C. GRCh37 (hg19) VCF-style: chr9-34657436-G-C.
Other names: c.498G>C (NM_001142784.2).
Identifiers: ClinVar variation 2659161 (VCV002659161.25), dbSNP rs139902799, ClinGen allele CA5036506.
Genomic context (GRCh38, chr9:34,657,439, plus strand): 5'-AGTAGGCATTTTCAAAGCCAAAGACCACATCCTCCCTTCTAGGAGGAGTCCATCCACAGG[G>C]CCCTGGCCATGCCCACAGGATCCCCTAGGGGCTGCCCGCTGTGTTGTCCACGGGGCTGAG-3'
Protein context (NP_001136256.1, residues 156-176): ADSQRRSPST[Gly166=]PWPCPQDPLG